The following is an entry in ClinVar:

NM_173076.3(ABCA12):c.848T>C (p.Phe283Ser)

Gene: ABCA12 (ATP binding cassette subfamily A member 12; minus strand). Cytogenetic location: 2q35.
Variant type: single nucleotide variant.
Coding change: c.848T>C on transcript NM_173076.3 (MANE Select); coding-DNA position 848, T replaced by C.
Protein change: p.Phe283Ser; replaces phenylalanine 283 with serine.
Molecular consequence: missense variant. On other transcripts: non-coding transcript variant (1).
Genome position (GRCh38, 1-based): chr2:215,045,861, A>G on the plus strand (T>C on the coding strand, the complement: ABCA12 is on the minus strand). VCF-style: chr2-215045861-A-G. GRCh37 (hg19) VCF-style: chr2-215910585-A-G.
Other names: short protein forms F283S.
Identifiers: ClinVar variation 2620761 (VCV002620761.7), dbSNP rs543778192, ClinGen allele CA2092439.

ClinVar aggregate classification (germline): Conflicting classifications of pathogenicity. Review status: criteria provided, conflicting classifications (1 of 4 stars). 3 submissions from 3 submitters: Uncertain significance (2); Likely benign (1). Last evaluated 2026-08-26.

Conditions:
Inborn genetic diseases. Identifiers: MedGen C0950123, MeSH D030342.

Allele frequency attached by ClinVar (database versions not stated): ExAC 0.00005; 1000 Genomes Project 30x 0.00016; 1000 Genomes Project 0.00020.
gnomAD v4.1: 45 of 1,613,586 alleles (0.0028%); highest among the groups gnomAD compares: South Asian, 0.016%; 1 homozygote.

Submissions (3):

GeneDx
Classification: Uncertain significance. Last evaluated: 2026-08-26. Review status: criteria provided, single submitter. Criteria: GeneDx Variant Classification Process June 2021. Collection method: clinical testing. Allele origin: germline.
Comment: Has not been previously published as pathogenic or benign to our knowledge; In silico analysis suggests that this missense variant does not alter protein structure/function

Labcorp Genetics (formerly Invitae), Labcorp
Classification: Likely benign. Last evaluated: 2026-01-19. Review status: criteria provided, single submitter. Criteria: Invitae Variant Classification Sherloc (09022015). Collection method: clinical testing. Allele origin: germline.

Ambry Genetics
Classification: Uncertain significance for Inborn genetic diseases. Last evaluated: 2023-08-28. Review status: criteria provided, single submitter. Criteria: Ambry Variant Classification Scheme 2023. Collection method: clinical testing. Allele origin: germline.